The following is an entry in ClinVar:

ClinVar aggregate classification (germline): Uncertain significance (1 of 4 stars; one submission).

Conditions:
Hereditary cancer-predisposing syndrome. Also called: Neoplastic Syndromes, Hereditary; Tumor predisposition; Hereditary Cancer Syndrome; Hereditary neoplastic syndrome. Identifiers: Orphanet 140162, MedGen C0027672, MeSH D009386, MONDO:0015356.

Submission:

Ambry Genetics
Classification: Uncertain significance for Hereditary cancer-predisposing syndrome. Last evaluated: 2025-10-11. Review status: criteria provided, single submitter. Criteria: Ambry Variant Classification Scheme 2023. Collection method: clinical testing. Allele origin: germline.
Comment: The p.E561Q variant (also known as c.1681G>C), located in coding exon 11 of the NBN gene, results from a G to C substitution at nucleotide position 1681. The glutamic acid at codon 561 is replaced by glutamine, an amino acid with highly similar properties. This amino acid position is conserved. In addition, this alteration is predicted to be tolerated by in silico analysis. Based on the available evidence, the clinical significance of this variant remains unclear.

NM_002485.5(NBN):c.1681G>C (p.Glu561Gln)

Gene: NBN (nibrin; minus strand). Cytogenetic location: 8q21.3.
Variant type: single nucleotide variant.
Coding change: c.1681G>C on transcript NM_002485.5 (MANE Select); coding-DNA position 1681, G replaced by C.
Protein change: p.Glu561Gln; replaces glutamic acid 561 with glutamine.
Molecular consequence: missense variant.
Genome position (GRCh38, 1-based): chr8:89,953,408, C>G on the plus strand (G>C on the coding strand, the complement: NBN is on the minus strand). VCF-style: chr8-89953408-C-G. GRCh37 (hg19) VCF-style: chr8-90965636-C-G.
Other names: c.1435G>C, p.Glu479Gln (NM_001024688.3, NM_001440379.1, NM_001440380.1); short protein forms E479Q, E561Q.
Identifiers: ClinVar variation 4660559 (VCV004660559.1).
Genomic context (GRCh38, chr8:89,953,408, plus strand): 5'-GAACTTTCACATCAATTTCTAACTCTGGTTTTGTGTCCTTGAATAACTGTTCCAATACTT[C>G]ATCTTCTATGGCCACATCATCCATTTCCCTTTTTTTATTTGATCTTAGCTTTTCTGCAGC-3'
Protein context (NP_002476.2, residues 551-571): REMDDVAIED[Glu561Gln]VLEQLFKDTK